The following is an entry in ClinVar:

NM_000051.4(ATM):c.1235+2T>A

Gene: ATM (ATM serine/threonine kinase; plus strand). Cytogenetic location: 11q22.3.
Variant type: single nucleotide variant.
Coding change: c.1235+2T>A on transcript NM_000051.4 (MANE Select); the canonical splice donor site of the intron after coding-DNA position 1235, T replaced by A.
Molecular consequence: splice donor variant.
Genome position (GRCh38, 1-based): chr11:108,249,104, T>A. VCF-style: chr11-108249104-T-A. GRCh37 (hg19) VCF-style: chr11-108119831-T-A.
Other names: c.1235+2T>A (NM_001351834.2).
Identifiers: ClinVar variation 3367066 (VCV003367066.1).
Genomic context (GRCh38, chr11:108,249,104, plus strand): 5'-TGGGAAGTAATAAAAGATCACCTTCAGAAGTCACAGAATGATTTTGATCTTGTGCCTTGG[T>A]AAAGTGTTACCATTTTCTCATTCAGTGTCATTTTAATCTCTTGTATGTTATTTTTCAGAA-3'

ClinVar aggregate classification (germline): Likely pathogenic (1 of 4 stars; one submission).

Conditions:
Ataxia-telangiectasia syndrome (AT). Also called: Ataxia-telangiectasia, complementation group E; Ataxia-telangiectasia, complementation group D; ATAXIA-TELANGIECTASIA, COMPLEMENTATION GROUP A; ATAXIA-TELANGIECTASIA, FRESNO VARIANT; Cerebello-oculocutaneous telangiectasia; Immunodeficiency with ataxia telangiectasia. Identifiers: Orphanet 100, MedGen C0004135, MONDO:0008840, OMIM 208900.

Submission:

Neuberg Centre For Genomic Medicine, NCGM
Classification: Likely pathogenic for Ataxia-telangiectasia syndrome. Last evaluated: 2023-05-20. Review status: criteria provided, single submitter. Criteria: ACMG Guidelines, 2015. Collection method: clinical testing. Allele origin: germline. Inheritance: Autosomal recessive inheritance. Affected: yes.
Comment: The oberved invariant splice donor c.1235+2T>A in ATM gene has not been reported previously as a pathogenic variant nor as a benign variant, to our knowledge. The c.1235+2T>A variant is absent in gnomAD Exomes database. This variant has not been submitted to the ClinVar database. Splice AI predicts this variant to cause splice donor loss (0.86) and splice donor gain (0.01). Loss of function variants have been previously reported to be disease causing. Functional studies are required to prove pathogenicity of the variant. For these reasons, this variant has been classified as Likely Pathogenic.